The following is an entry in ClinVar:

ClinVar aggregate classification (germline): Uncertain significance (1 of 4 stars; one submission).

Conditions:
Luscan-Lumish syndrome. Identifiers: Orphanet 597738, MedGen C4085873, MONDO:0014791, OMIM 616831.

Allele frequency attached by ClinVar (database versions not stated): gnomAD exomes 0.00001; TOPMed below 0.00001; ExAC 0.00001; gnomAD 0.00003.
gnomAD v4.1: 14 of 1,613,992 alleles (0.00087%); highest among the groups gnomAD compares: African/African-American, 0.0013%; no homozygotes.

Submission:

Labcorp Genetics (formerly Invitae), Labcorp
Classification: Uncertain significance for Luscan-Lumish syndrome. Last evaluated: 2019-04-25. Review status: criteria provided, single submitter. Criteria: Invitae Variant Classification Sherloc (09022015). Collection method: clinical testing. Allele origin: germline.
Comment: In summary, the available evidence is currently insufficient to determine the role of this variant in disease. Therefore, it has been classified as a Variant of Uncertain Significance. Algorithms developed to predict the effect of missense changes on protein structure and function output the following: SIFT: "Tolerated"; PolyPhen-2: "Benign"; Align-GVGD: "Class C0". The arginine amino acid residue is found in multiple mammalian species, suggesting that this missense change does not adversely affect protein function. These predictions have not been confirmed by published functional studies and their clinical significance is uncertain. This variant has not been reported in the literature in individuals with SETD2-related conditions. ClinVar contains an entry for this variant (Variation ID: 542221). This variant is present in population databases (rs759593227, ExAC 0.002%). This sequence change replaces glycine with arginine at codon 987 of the SETD2 protein (p.Gly987Arg). The glycine residue is weakly conserved and there is a moderate physicochemical difference between glycine and arginine.

NM_014159.7(SETD2):c.2959G>A (p.Gly987Arg)

Gene: SETD2 (SET domain containing 2, histone lysine methyltransferase; minus strand). Cytogenetic location: 3p21.31.
Variant type: single nucleotide variant.
Coding change: c.2959G>A on transcript NM_014159.7 (MANE Select); coding-DNA position 2959, G replaced by A.
Protein change: p.Gly987Arg; replaces glycine 987 with arginine.
Molecular consequence: missense variant. On other transcripts: non-coding transcript variant (1).
Genome position (GRCh38, 1-based): chr3:47,121,677, C>T on the plus strand (G>A on the coding strand, the complement: SETD2 is on the minus strand). VCF-style: chr3-47121677-C-T. GRCh37 (hg19) VCF-style: chr3-47163167-C-T.
Other names: c.2827G>A, p.Gly943Arg (NM_001349370.3); short protein forms G987R, G943R.
Identifiers: ClinVar variation 542221 (VCV000542221.7), dbSNP rs759593227, ClinGen allele CA2363453.